The following is an entry in ClinVar:

NM_001184880.2(PCDH19):c.775C>T (p.Arg259Cys)

Gene: PCDH19 (protocadherin 19; minus strand). Cytogenetic location: Xq22.1.
Variant type: single nucleotide variant.
Coding change: c.775C>T on transcript NM_001184880.2 (MANE Select); coding-DNA position 775, C replaced by T.
Protein change: p.Arg259Cys; replaces arginine 259 with cysteine.
Molecular consequence: missense variant.
Genome position (GRCh38, 1-based): chrX:100,407,823, G>A on the plus strand (C>T on the coding strand, the complement: PCDH19 is on the minus strand). VCF-style: chrX-100407823-G-A. GRCh37 (hg19) VCF-style: chrX-99662821-G-A.
Other names: c.775C>T, p.Arg259Cys (NM_001105243.2, NM_020766.3); short protein forms R259C.
Identifiers: ClinVar variation 4087915 (VCV004087915.1).

ClinVar aggregate classification (germline): Uncertain significance (1 of 4 stars; one submission).

gnomAD v4.1: 1 of 1,212,298 alleles (0.000082%); highest among the groups gnomAD compares: Non-Finnish European, 0.00011%; no homozygotes.

Submission:

GeneDx
Classification: Uncertain significance. Last evaluated: 2025-03-27. Review status: criteria provided, single submitter. Criteria: GeneDx Variant Classification Process June 2021. Collection method: clinical testing. Allele origin: germline. Affected: yes.
Comment: Not observed at significant frequency in large population cohorts (gnomAD); In silico analysis supports that this missense variant has a deleterious effect on protein structure/function; Has not been previously published as pathogenic or benign to our knowledge